The following is an entry in ClinVar:

ClinVar aggregate classification (germline): Uncertain significance (1 of 4 stars; one submission).

Allele frequency attached by ClinVar (database versions not stated): gnomAD exomes below 0.00001; ExAC 0.00001.
gnomAD v4.1: 2 of 1,614,192 alleles (0.00012%); highest among the groups gnomAD compares: Non-Finnish European, 0.00017%; no homozygotes.

Submission:

CeGaT Center for Human Genetics Tuebingen
Classification: Uncertain significance. Last evaluated: 2022-09-01. Review status: criteria provided, single submitter. Criteria: CeGaT Center For Human Genetics Tuebingen Variant Classification Criteria Version 2. Collection method: clinical testing. Allele origin: germline. Affected: yes. Observed: 1 variant allele.
Comment: SIN3A: PM2, PP2

NM_001145358.2(SIN3A):c.3733T>C (p.Cys1245Arg)

Gene: SIN3A (SIN3 transcription regulator family member A; minus strand). Cytogenetic location: 15q24.2.
Variant type: single nucleotide variant.
Coding change: c.3733T>C on transcript NM_001145358.2 (MANE Select); coding-DNA position 3733, T replaced by C.
Protein change: p.Cys1245Arg; replaces cysteine 1245 with arginine.
Molecular consequence: missense variant.
Genome position (GRCh38, 1-based): chr15:75,372,068, A>G on the plus strand (T>C on the coding strand, the complement: SIN3A is on the minus strand). VCF-style: chr15-75372068-A-G. GRCh37 (hg19) VCF-style: chr15-75664409-A-G.
Other names: c.3733T>C, p.Cys1245Arg (NM_001145357.2, NM_015477.3); short protein forms C1245R.
Identifiers: ClinVar variation 1711388 (VCV001711388.30), dbSNP rs770810861, ClinGen allele CA7667173.